The following is an entry in ClinVar:

ClinVar aggregate classification (germline): Uncertain significance. Review status: criteria provided, multiple submitters, no conflicts (2 of 4 stars). 3 submissions from 3 submitters: Uncertain significance (3). Last evaluated 2024-04-17.

Conditions:
Kabuki syndrome 2 (KABUK2). Also called: KDM6A-Related Kabuki Syndrome. Identifiers: Orphanet 2322, MedGen C3275495, MONDO:0010465, OMIM 300867.

Allele frequency attached by ClinVar (database versions not stated): gnomAD exomes 0.00001; TOPMed 0.00002.

Submissions (3):

Fulgent Genetics
Classification: Uncertain significance for Kabuki syndrome 2. Last evaluated: 2024-04-17. Review status: criteria provided, single submitter. Criteria: ACMG Guidelines, 2015. Collection method: clinical testing. Allele origin: germline.

Labcorp Genetics (formerly Invitae), Labcorp
Classification: Uncertain significance for Kabuki syndrome 2. Last evaluated: 2023-08-10. Review status: criteria provided, single submitter. Criteria: Invitae Variant Classification Sherloc (09022015). Collection method: clinical testing. Allele origin: germline.
Comment: ClinVar contains an entry for this variant (Variation ID: 1302944). This sequence change replaces serine, which is neutral and polar, with proline, which is neutral and non-polar, at codon 531 of the KDM6A protein (p.Ser531Pro). This variant is not present in population databases (gnomAD no frequency). This variant has not been reported in the literature in individuals affected with KDM6A-related conditions. Advanced modeling of protein sequence and biophysical properties (such as structural, functional, and spatial information, amino acid conservation, physicochemical variation, residue mobility, and thermodynamic stability) performed at Invitae indicates that this missense variant is not expected to disrupt KDM6A protein function. In summary, the available evidence is currently insufficient to determine the role of this variant in disease. Therefore, it has been classified as a Variant of Uncertain Significance.

GeneDx
Classification: Uncertain significance. Last evaluated: 2019-08-24. Review status: criteria provided, single submitter. Criteria: GeneDx Variant Classification Process June 2021. Collection method: clinical testing. Allele origin: germline. Affected: yes.
Comment: In silico analysis, which includes protein predictors and evolutionary conservation, supports a deleterious effect; Has not been previously published as pathogenic or benign to our knowledge

NM_001291415.2(KDM6A):c.1747T>C (p.Ser583Pro)

Gene: KDM6A (lysine demethylase 6A; plus strand). Cytogenetic location: Xp11.3.
Variant type: single nucleotide variant.
Coding change: c.1747T>C on transcript NM_001291415.2 (MANE Select); coding-DNA position 1747, T replaced by C.
Protein change: p.Ser583Pro; replaces serine 583 with proline.
Molecular consequence: missense variant. On other transcripts: non-coding transcript variant (1).
Genome position (GRCh38, 1-based): chrX:45,063,485, T>C. VCF-style: chrX-45063485-T-C. GRCh37 (hg19) VCF-style: chrX-44922730-T-C.
Other names: c.1456T>C, p.Ser486Pro (NM_001291417.2); c.1354T>C, p.Ser452Pro (NM_001291418.2); c.703T>C, p.Ser235Pro (NM_001291421.2); c.1591T>C, p.Ser531Pro (NM_021140.4); c.1612T>C, p.Ser538Pro (NM_001291416.2); c.1591T>C (NM_021140.3); short protein forms S235P, S452P, S486P, S531P, S538P, S583P.
Identifiers: ClinVar variation 1302944 (VCV001302944.10), dbSNP rs1194941930, ClinGen allele CA412787960.
Genomic context (GRCh38, chrX:45,063,485, plus strand): 5'-AGACCAACAGGAGTTGCACAGGTACGATCTACTGGAATTCCTAATGGGCCAACAGCTGAC[T>C]CATCACTGCCTACAAACTCAGTCTCTGGCCAGCAGCCACAGCTTGCTCTGACCAGAGTGC-3'
Protein context (NP_001278344.1, residues 573-593): TGIPNGPTAD[Ser583Pro]SLPTNSVSGQ